The following is an entry in ClinVar:

NM_014795.4(ZEB2):c.2864A>G (p.Tyr955Cys)

Gene: ZEB2 (zinc finger E-box binding homeobox 2; minus strand). Cytogenetic location: 2q22.3.
Variant type: single nucleotide variant.
Coding change: c.2864A>G on transcript NM_014795.4 (MANE Select); coding-DNA position 2864, A replaced by G.
Protein change: p.Tyr955Cys; replaces tyrosine 955 with cysteine.
Molecular consequence: missense variant.
Genome position (GRCh38, 1-based): chr2:144,398,323, T>C on the plus strand (A>G on the coding strand, the complement: ZEB2 is on the minus strand). VCF-style: chr2-144398323-T-C. GRCh37 (hg19) VCF-style: chr2-145155890-T-C.
Other names: c.2792A>G, p.Tyr931Cys (NM_001171653.2); short protein forms Y931C, Y955C.
Identifiers: ClinVar variation 4992664 (VCV004992664.1).

ClinVar aggregate classification (germline): Uncertain significance (1 of 4 stars; one submission).

Conditions:
ZEB2-related disorder. Also called: ZEB2-related condition.

Submission:

PreventionGenetics, part of Exact Sciences
Classification: Uncertain significance for ZEB2-related condition. Last evaluated: 2026-07-27. Review status: criteria provided, single submitter. Criteria: ACMG Guidelines, 2015. Collection method: clinical testing. Allele origin: germline.
Comment: The ZEB2 c.2864A>G variant is predicted to result in the amino acid substitution p.Tyr955Cys. To our knowledge, this variant has not been reported in the literature or in a large population database (gnomAD), indicating this variant is rare. At this time, the clinical significance of this variant is uncertain due to the absence of conclusive functional and genetic evidence.